The following is an entry in ClinVar:

ClinVar aggregate classification (germline): Pathogenic (1 of 4 stars; one submission).

Submission:

Quest Diagnostics Nichols Institute San Juan Capistrano
Classification: Pathogenic. Last evaluated: 2023-01-10. Review status: criteria provided, single submitter. Criteria: ACMG/ClinGen CNV Guidelines, 2019. Collection method: clinical testing. Allele origin: unknown.
Comment: Inherited and de novo deletions involving 16p13.11 have been implicated in variable phenotypes ranging from unaffected to neurodevelopmental disorders with intellectual disability (Tropeano et al. PLoS One. 2013 Apr 18;8(4):e61365. PMID: 23637818; Nagamani et al., Eur J Hum Genet. 2010 19(3):280-6, PMID: 21150890; Hannes et al., 2009. J Med Genet. 46(4):223-32, PMID: 18550696; Ullmann et al., 2007. Hum Mutat. 28(7):674-82, PMID: 17480035; Rehm et al., N Engl J Med. 2015 Jun 4;372(23):2235-42. PMID: 26014595 ISCA-37415). Inheritance from a normal or mildly affected parent has been reported, suggesting incomplete penetrance and variable expressivity. This copy number loss is classified as pathogenic.

GRCh37/hg19 16p13.11(chr16:15481748-16391045)x1

Genes: BMERB1 (bMERB domain containing 1; plus strand), ABCC1 (ATP binding cassette subfamily C member 1 (ABCC1 blood group); plus strand), ABCC6 (ATP binding cassette subfamily C member 6; minus strand), CEP20 (centrosomal protein 20; minus strand), MARF1 (meiosis regulator and mRNA stability factor 1; minus strand) and 4 more. Cytogenetic location: 16p13.11.
Variant type: copy number loss.
Change: copy number 1 (one copy instead of two) of chr16:15,481,748-16,391,045 (909.3 kb, GRCh37 coordinates, 1-based), cytogenetic band 16p13.11.
Identifiers: ClinVar variation 2685562 (VCV002685562.1).